The following is an entry in ClinVar:

ClinVar aggregate classification (germline): Pathogenic (1 of 4 stars; one submission).

Conditions:
Schimke immuno-osseous dysplasia (SIOD). Also called: Schimke Immunoosseous Dysplasia. Identifiers: Orphanet 1830, MedGen C0877024, MONDO:0009458, OMIM 242900.

Allele frequency attached by ClinVar (database versions not stated): gnomAD exomes below 0.00001; ExAC 0.00001.
gnomAD v4.1: 2 of 1,614,084 alleles (0.00012%); highest among the groups gnomAD compares: Non-Finnish European, 0.000085%; no homozygotes.

Submission:

Labcorp Genetics (formerly Invitae), Labcorp
Classification: Pathogenic for Schimke immuno-osseous dysplasia. Last evaluated: 2022-08-30. Review status: criteria provided, single submitter. Criteria: Invitae Variant Classification Sherloc (09022015). Collection method: clinical testing. Allele origin: germline.
Comment: This sequence change creates a premature translational stop signal (p.Glu257*) in the SMARCAL1 gene. It is expected to result in an absent or disrupted protein product. Loss-of-function variants in SMARCAL1 are known to be pathogenic (PMID: 11799392, 20301550). This variant is present in population databases (rs757390175, gnomAD 0.004%). This variant has not been reported in the literature in individuals affected with SMARCAL1-related conditions. Algorithms developed to predict the effect of sequence changes on RNA splicing suggest that this variant may disrupt the consensus splice site. For these reasons, this variant has been classified as Pathogenic.

Literature cited by the submitters: PubMed 11799392; PubMed 20301550.

NM_014140.4(SMARCAL1):c.769G>T (p.Glu257Ter)

Gene: SMARCAL1 (SNF2 related chromatin remodeling annealing helicase 1; plus strand). Cytogenetic location: 2q35.
Variant type: single nucleotide variant.
Coding change: c.769G>T on transcript NM_014140.4 (MANE Select); coding-DNA position 769, G replaced by T.
Protein change: p.Glu257Ter; replaces glutamic acid 257 with a stop codon.
Molecular consequence: nonsense.
Genome position (GRCh38, 1-based): chr2:216,415,473, G>T. VCF-style: chr2-216415473-G-T. GRCh37 (hg19) VCF-style: chr2-217280196-G-T.
Other names: c.769G>T, p.Glu257Ter (NM_001127207.2); short protein forms E257*.
Identifiers: ClinVar variation 2027899 (VCV002027899.4), dbSNP rs757390175, ClinGen allele CA2097655.